The following is an entry in ClinVar:

ClinVar aggregate classification (germline): Uncertain significance (1 of 4 stars; one submission).

gnomAD v4.1: 1 of 1,175,668 alleles (0.000085%); highest among the groups gnomAD compares: Non-Finnish European, 0.00011%; no homozygotes.

Submission:

Labcorp Genetics (formerly Invitae), Labcorp
Classification: Uncertain significance. Last evaluated: 2025-12-09. Review status: criteria provided, single submitter. Criteria: Invitae Variant Classification Sherloc (09022015). Collection method: clinical testing. Allele origin: germline.
Comment: This sequence change replaces glycine, which is neutral and non-polar, with serine, which is neutral and polar, at codon 641 of the BCL11B protein (p.Gly641Ser). The frequency data for this variant in the population databases is considered unreliable, as metrics indicate insufficient coverage at this position in the gnomAD database. This variant has not been reported in the literature in individuals affected with BCL11B-related conditions. Invitae Evidence Modeling of protein sequence and biophysical properties (such as structural, functional, and spatial information, amino acid conservation, physicochemical variation, residue mobility, and thermodynamic stability) indicates that this missense variant is not expected to disrupt BCL11B protein function with a negative predictive value of 95%. In summary, the available evidence is currently insufficient to determine the role of this variant in disease. Therefore, it has been classified as a Variant of Uncertain Significance.

NM_138576.4(BCL11B):c.1921G>A (p.Gly641Ser)

Gene: BCL11B (BCL11 transcription factor B; minus strand). Cytogenetic location: 14q32.2.
Variant type: single nucleotide variant.
Coding change: c.1921G>A on transcript NM_138576.4 (MANE Select); coding-DNA position 1921, G replaced by A.
Protein change: p.Gly641Ser; replaces glycine 641 with serine.
Molecular consequence: missense variant.
Genome position (GRCh38, 1-based): chr14:99,174,915, C>T on the plus strand (G>A on the coding strand, the complement: BCL11B is on the minus strand). VCF-style: chr14-99174915-C-T. GRCh37 (hg19) VCF-style: chr14-99641252-C-T.
Other names: c.1918G>A, p.Gly640Ser (NM_001282237.2); c.1705G>A, p.Gly569Ser (NM_001282238.2); c.1708G>A, p.Gly570Ser (NM_022898.3); short protein forms G570S, G640S, G641S, G569S.
Identifiers: ClinVar variation 4703824 (VCV004703824.1).
Genomic context (GRCh38, chr14:99,174,915, plus strand): 5'-CTGGCGCGAAGCCGCCCCCGCGCCCGTTGACCGCGCCGCCCGCGCCCGCGTCCCCGCAGC[C>T]GCCCGCGTCGTCGTCGTCGCCCGCGTCCCCGCCGCCCGCCGCACGCTTCAGGAAGGCGCC-3'
Protein context (NP_612808.1, residues 631-651): GDAGDDDDAG[Gly641Ser]CGDAGAGGAV